The following is an entry in ClinVar:

NM_001384980.1(NPIPB4):c.916G>A (p.Glu306Lys)

Gene: NPIPB4 (nuclear pore complex interacting protein family member B4). Cytogenetic location: 16p12.2.
Variant type: single nucleotide variant.
Coding change: c.916G>A on transcript NM_001384980.1 (MANE Select); coding-DNA position 916, G replaced by A.
Protein change: p.Glu306Lys; replaces glutamic acid 306 with lysine.
Molecular consequence: missense variant.
Genome position (GRCh38, 1-based): chr16:21,837,471, C>T on the plus strand (G>A on the coding strand, the complement: NPIPB4 is on the minus strand). VCF-style: chr16-21837471-C-T. GRCh37 (hg19) VCF-style: chr16-21848792-C-T.
Other names: c.916G>A, p.Glu306Lys (NM_001310148.2, NM_001384979.1); c.907G>A, p.Glu303Lys (NM_001384981.1); c.859G>A, p.Glu287Lys (NM_001384982.1); short protein forms E287K, E303K, E306K.
Identifiers: ClinVar variation 3239057 (VCV003239057.19), dbSNP rs201228094.

ClinVar aggregate classification (germline): Likely benign (1 of 4 stars; one submission).

Allele frequency attached by ClinVar (database versions not stated): 1000 Genomes Project 30x 0.00109; 1000 Genomes Project 0.00120; ExAC 0.00210; gnomAD exomes 0.00287; gnomAD 0.00348.
gnomAD v4.1: 1,668 of 664,926 alleles (0.25%); highest among the groups gnomAD compares: Non-Finnish European, 0.18%; 190 homozygotes.

Submission:

CeGaT Center for Human Genetics Tuebingen
Classification: Likely benign. Last evaluated: 2024-05-01. Review status: criteria provided, single submitter. Criteria: CeGaT Center For Human Genetics Tuebingen Variant Classification Criteria Version 2. Collection method: clinical testing. Allele origin: germline. Affected: yes. Observed: 1 variant allele.
Comment: NPIPB4: BP4, BS2